The following is an entry in ClinVar:

ClinVar aggregate classification (germline): Pathogenic. Review status: criteria provided, multiple submitters, no conflicts (2 of 4 stars). 9 submissions from 9 submitters: Pathogenic (9). Last evaluated 2025-03-06.

Conditions:
Inborn genetic diseases. Identifiers: MedGen C0950123, MeSH D030342.
Mandibulofacial dysostosis-microcephaly syndrome (MFDGA). Also called: Growth and mental retardation, mandibulofacial dysostosis, microcephaly, and cleft palate; Mandibulofacial dysostosis, Guion-Almeida type. Identifiers: Orphanet 79113, MedGen C1864652, MONDO:0012516, OMIM 610536.

Submissions (9):

Clinical Genetics Laboratory, Skane University Hospital Lund
Classification: Pathogenic for Mandibulofacial dysostosis-microcephaly syndrome. Last evaluated: 2025-03-06. Review status: criteria provided, single submitter. Criteria: ACMG Guidelines, 2015. Collection method: clinical testing. Allele origin: de novo. Inheritance: Autosomal dominant inheritance. Affected: yes.
Comment: ACMG criteria used: PVS1, PS2, PM2

3billion
Classification: Pathogenic for Mandibulofacial dysostosis-microcephaly syndrome. Last evaluated: 2024-08-07. Review status: criteria provided, single submitter. Criteria: ACMG Guidelines, 2015. Collection method: clinical testing. Allele origin: germline. Affected: yes.
Comment: The variant is not observed in the gnomAD v4.0.0 dataset. Predicted Consequence/Location: Canonical splice site: predicted to alter splicing and result in a loss or disruption of normal protein function. Multiple pathogenic loss-of-function variants are reported downstream of the variant. In silico tools predict the variant to alter splicing and produce an abnormal transcript [SpliceAI: 0.94 (spliceogenicity >=0.2, non-spliceogenicity <0.1)]. The variant has been previously reported as de novo in a similarly affected individual (PMID: 32799722). The variant has been reported at least twice as pathogenic with clinical assertions and evidence for the classification (ClinVar ID: VCV000426481 /PMID: 34218205). Therefore, this variant is classified as Pathogenic according to the recommendation of ACMG/AMP guideline.

Victorian Clinical Genetics Services, Murdoch Childrens Research Institute
Classification: Pathogenic for Mandibulofacial dysostosis-microcephaly syndrome. Last evaluated: 2023-07-17. Review status: criteria provided, single submitter. Criteria: ACMG Guidelines, 2015. Collection method: clinical testing. Allele origin: germline. Inheritance: Autosomal dominant inheritance. Affected: yes.
Comment: Based on the classification scheme VCGS_Germline_v1.3.4, this variant is classified as Pathogenic. Following criteria are met: 0102 - Loss of function is a known mechanism of disease in this gene and is associated with mandibulofacial dysostosis, Guion-Almeida type (MIM#610536). (I) 0107 - This gene is associated with autosomal dominant disease. (I) 0115 - Variants in this gene are known to have variable expressivity. Variable expressivity with variant transmission from parents with subclinical features has been reported (PMID: 33247512). (I) 0211 - Canonical splice site variant without proven consequence on splicing (no functional evidence available). (SP) 0251 - This variant is heterozygous. (I) 0301 - Variant is absent from gnomAD (both v2 and v3). (SP) 0505 - Abnormal splicing is predicted by in silico tools and affected nucleotide is highly conserved. (SP) 0802 - This variant has moderate previous evidence of pathogenicity in unrelated individuals. It has been reported as pathogenic by multiple clinical laboratories (ClinVar), and has been reported as de novo in an aborted fetus with mandibulofacial dysostosis with microcephaly (PMID: 32799722). (SP) 1007 - No published functional evidence has been identified for this variant. (SP) Legend: (SP) - Supporting pathogenic, (I) - Information, (SB) - Supporting benign

GeneDx
Classification: Pathogenic. Last evaluated: 2023-05-18. Review status: criteria provided, single submitter. Criteria: GeneDx Variant Classification Process June 2021. Collection method: clinical testing. Allele origin: germline. Affected: yes.
Comment: Canonical splice site variant predicted to result in a null allele in a gene for which loss of function is a known mechanism of disease; Not observed at significant frequency in large population cohorts (gnomAD); This variant is associated with the following publications: (PMID: 34218205, 32799722, 36909054)

Ambry Genetics
Classification: Pathogenic for Inborn genetic diseases. Last evaluated: 2020-08-28. Review status: criteria provided, single submitter. Criteria: Ambry Variant Classification Scheme 2023. Collection method: clinical testing. Allele origin: germline.
Comment: The alteration is predicted to affect the native donor splice site:_x000D_ _x000D_ The c.1058+1G>A intronic alteration results from a G to A substitution one nucleotide after exon 12 (coding exon 11) of the EFTUD2 gene. Alterations that disrupt the canonical splice site are expected to cause aberrant splicing, resulting in an abnormal protein or a transcript that is subject to nonsense-mediated mRNA decay (Maquat, 2004). The alteration is not observed in population databases:_x000D_ _x000D_ Based on data from the Genome Aggregation Database (gnomAD), the EFTUD2 c.1058+1G>A alteration was not observed, with coverage at this position. The altered nucleotide is conserved throughout evolution:_x000D_ _x000D_ The c.1058+1G nucleotide is conserved in available vertebrate species. The alteration's predicted effect on splicing:_x000D_ _x000D_ In silico splice site analysis predicts that this alteration will weaken the native splice donor site. Based on the available evidence, this alteration is classified as pathogenic.

Laboratory of Molecular Genetics (Pr. Bezieau's lab), CHU de Nantes
Classification: Pathogenic. Last evaluated: 2020-02-14. Review status: criteria provided, single submitter. Criteria: ACMG Guidelines, 2015. Collection method: clinical testing. Allele origin: germline. Affected: yes.

Rady Children's Institute for Genomic Medicine, Rady Children's Hospital San Diego
Classification: Pathogenic for MANDIBULOFACIAL DYSOSTOSIS, GUION-ALMEIDA TYPE. Last evaluated: 2018-12-28. Review status: criteria provided, single submitter. Criteria: ACMG Guidelines, 2015. Collection method: clinical testing. Allele origin: germline. Affected: yes. Observed: 1 variant allele.
Comment: This variant affects the canonical splice donor site of intron 12 and is therefore predicted to interfere with splicing and result in loss of normal protein function. This variant has not been previously reported or functionally characterized in the literature to our knowledge. It is absent from the ExAC and gnomAD population databases and thus is presumed to be rare. Multiple splice prediction tools suggest this variant is likely to interfere with normal splicing. Based on the available evidence, the c.1058+1G>A variant is classified as pathogenic.

Juno Genomics, Hangzhou Juno Genomics, Inc
Classification: Pathogenic for Mandibulofacial dysostosis-microcephaly syndrome. Review status: criteria provided, single submitter. Criteria: ACMG Guidelines, 2015. Collection method: clinical testing. Allele origin: germline. Affected: yes.
Comment: Absent from controls (or at extremely low frequency if recessive) in Genome Aggregation Database, Exome Sequencing Project, 1000 Genomes Project, or Exome Aggregation Consortium.;Null variant in a gene where loss of function (LOF) is a known mechanism of disease.;The prevalence of the variant in affected individuals is significantly increased compared to the prevalence in controls.;Patient's phenotype or family history is highly specific for a disease with a single genetic etiology.;Assumed de novo, but without confirmation of paternity and maternity.

Neuberg Centre For Genomic Medicine, NCGM
Classification: Pathogenic for Mandibulofacial dysostosis-microcephaly syndrome. Review status: criteria provided, single submitter. Criteria: ACMG Guidelines, 2015. Collection method: clinical testing. Allele origin: germline. Inheritance: Autosomal dominant inheritance. Affected: yes.
Comment: The invariant splice donor c.1058+1G>A in gene has been previously reported in heterozygous state in individuals affected with Mandibulofacial dysostosis, Guion-Almeida Zhen L, et al. 2021; Xu BQ et al. 2021. The c.1058+1G>A variant is absent in gnomAD Exomes. This variant has been reported to the ClinVar database as Pathogenic multiple submitters. SpliceAI predicts this variant to cause splice donor loss score-0.94. Loss of function variants have been previously reported to be disease causing. For these reasons, this variant has been classified as Pathogenic.

Literature cited by the submitters: PubMed 34218205 (cited by 3billion); PubMed 32799722 (cited by Victorian Clinical Genetics Services, Murdoch Childrens Research Institute); PubMed 33247512 (cited by Victorian Clinical Genetics Services, Murdoch Childrens Research Institute).

NM_004247.4(EFTUD2):c.1058+1G>A

Gene: EFTUD2 (elongation factor Tu GTP binding domain containing 2; minus strand). Cytogenetic location: 17q21.31.
Variant type: single nucleotide variant.
Coding change: c.1058+1G>A on transcript NM_004247.4 (MANE Select); the canonical splice donor site of the intron after coding-DNA position 1058, G replaced by A.
Molecular consequence: splice donor variant.
Genome position (GRCh38, 1-based): chr17:44,868,286, C>T on the plus strand (G>A on the coding strand, the complement: EFTUD2 is on the minus strand). VCF-style: chr17-44868286-C-T. GRCh37 (hg19) VCF-style: chr17-42945654-C-T.
Other names: c.953+1G>A (NM_001142605.2); c.1028+1G>A (NM_001258354.2); c.1058+1G>A (NM_001258353.2).
Identifiers: ClinVar variation 426481 (VCV000426481.14), dbSNP rs1085307647, ClinGen allele CA399816249.
Genomic context (GRCh38, chr17:44,868,286, plus strand): 5'-GTCCTCACTTACTGGGTAAATGATCACCCCTCTGGAAAGTCACGTCCCATACTCTACTTA[C>T]GTCTTAGGGTTGAAGTAGATGTCACCCCAGAGTCTTTTAGCAAATTCTTGGTAATTAATG-3'